The following is an entry in ClinVar:

ClinVar aggregate classification (germline): Uncertain significance (1 of 4 stars; one submission).

Conditions:
Bethlem myopathy 1A. Also called: Bethlem myopathy 1; Bethlem Muscular Dystrophy; MYOPATHY, BENIGN CONGENITAL, WITH CONTRACTURES. Identifiers: Orphanet 610, MedGen CN029274, MONDO:0024530, OMIM 158810.

Allele frequency attached by ClinVar (database versions not stated): gnomAD exomes below 0.00001; ExAC 0.00001.
gnomAD v4.1: 1 of 1,614,264 alleles (0.000062%); highest among the groups gnomAD compares: Non-Finnish European, 0.000085%; no homozygotes.

Submission:

Labcorp Genetics (formerly Invitae), Labcorp
Classification: Uncertain significance for Bethlem myopathy 1A. Last evaluated: 2024-09-09. Review status: criteria provided, single submitter. Criteria: Invitae Variant Classification Sherloc (09022015). Collection method: clinical testing. Allele origin: germline.
Comment: This sequence change replaces arginine, which is basic and polar, with threonine, which is neutral and polar, at codon 1769 of the COL6A3 protein (p.Arg1769Thr). This variant is present in population databases (rs775041494, gnomAD 0.0009%). This variant has not been reported in the literature in individuals affected with COL6A3-related conditions. Invitae Evidence Modeling of protein sequence and biophysical properties (such as structural, functional, and spatial information, amino acid conservation, physicochemical variation, residue mobility, and thermodynamic stability) indicates that this missense variant is not expected to disrupt COL6A3 protein function with a negative predictive value of 80%. In summary, the available evidence is currently insufficient to determine the role of this variant in disease. Therefore, it has been classified as a Variant of Uncertain Significance.

NM_004369.4(COL6A3):c.5306G>C (p.Arg1769Thr)

Gene: COL6A3 (collagen type VI alpha 3 chain; minus strand). Cytogenetic location: 2q37.3.
Variant type: single nucleotide variant.
Coding change: c.5306G>C on transcript NM_004369.4 (MANE Select); coding-DNA position 5306, G replaced by C.
Protein change: p.Arg1769Thr; replaces arginine 1769 with threonine.
Molecular consequence: missense variant.
Genome position (GRCh38, 1-based): chr2:237,366,881, C>G on the plus strand (G>C on the coding strand, the complement: COL6A3 is on the minus strand). VCF-style: chr2-237366881-C-G. GRCh37 (hg19) VCF-style: chr2-238275524-C-G.
Other names: c.3485G>C, p.Arg1162Thr (NM_057166.5); c.4688G>C, p.Arg1563Thr (NM_057167.4); short protein forms R1162T, R1769T, R1563T.
Identifiers: ClinVar variation 2766092 (VCV002766092.3), dbSNP rs775041494, ClinGen allele CA2188703.